The following is an entry in ClinVar:

ClinVar aggregate classification (germline): Uncertain significance. Review status: criteria provided, multiple submitters, no conflicts (2 of 4 stars). 2 submissions from 2 submitters: Uncertain significance (2). Last evaluated 2023-11-29.

Conditions:
Inborn genetic diseases. Identifiers: MedGen C0950123, MeSH D030342.

Allele frequency attached by ClinVar (database versions not stated): TOPMed 0.00008.
gnomAD v4.1: 14 of 1,613,666 alleles (0.00087%); highest among the groups gnomAD compares: Admixed American, 0.017%; no homozygotes.

Submissions (2):

Ambry Genetics
Classification: Uncertain significance for Inborn genetic diseases. Last evaluated: 2023-11-29. Review status: criteria provided, single submitter. Criteria: Ambry Variant Classification Scheme 2023. Collection method: clinical testing. Allele origin: germline.

Labcorp Genetics (formerly Invitae), Labcorp
Classification: Uncertain significance. Last evaluated: 2021-09-17. Review status: criteria provided, single submitter. Criteria: Invitae Variant Classification Sherloc (09022015). Collection method: clinical testing. Allele origin: germline.
Comment: This sequence change replaces tryptophan with cysteine at codon 224 of the DNAH9 protein (p.Trp224Cys). The tryptophan residue is weakly conserved and there is a large physicochemical difference between tryptophan and cysteine. This variant is not present in population databases (ExAC no frequency). This variant has not been reported in the literature in individuals with DNAH9-related conditions. Algorithms developed to predict the effect of missense changes on protein structure and function are either unavailable or do not agree on the potential impact of this missense change (SIFT: "Deleterious"; PolyPhen-2: "Probably Damaging"; Align-GVGD: "Class C0"). In summary, the available evidence is currently insufficient to determine the role of this variant in disease. Therefore, it has been classified as a Variant of Uncertain Significance.

NM_001372.4(DNAH9):c.672G>C (p.Trp224Cys)

Gene: DNAH9 (dynein axonemal heavy chain 9; plus strand). Cytogenetic location: 17p12.
Variant type: single nucleotide variant.
Coding change: c.672G>C on transcript NM_001372.4 (MANE Select); coding-DNA position 672, G replaced by C.
Protein change: p.Trp224Cys; replaces tryptophan 224 with cysteine.
Molecular consequence: missense variant.
Genome position (GRCh38, 1-based): chr17:11,610,453, G>C. VCF-style: chr17-11610453-G-C. GRCh37 (hg19) VCF-style: chr17-11513770-G-C.
Other names: c.672G>C (NM_001372.3); short protein forms W224C.
Identifiers: ClinVar variation 1509474 (VCV001509474.6), dbSNP rs1012804738, ClinGen allele CA287801893.